The following is an entry in ClinVar:

ClinVar aggregate classification (germline): Uncertain significance (1 of 4 stars; one submission).

Allele frequency attached by ClinVar (database versions not stated): ExAC 0.00001; gnomAD 0.00004; TOPMed 0.00005.
gnomAD v4.1: 15 of 1,614,034 alleles (0.00093%); highest among the groups gnomAD compares: African/African-American, 0.015%; no homozygotes.

Submission:

Labcorp Genetics (formerly Invitae), Labcorp
Classification: Uncertain significance. Last evaluated: 2024-01-11. Review status: criteria provided, single submitter. Criteria: Invitae Variant Classification Sherloc (09022015). Collection method: clinical testing. Allele origin: germline.
Comment: This sequence change replaces threonine, which is neutral and polar, with isoleucine, which is neutral and non-polar, at codon 187 of the RPL19 protein (p.Thr187Ile). The frequency data for this variant in the population databases is considered unreliable, as metrics indicate poor data quality at this position in the gnomAD database. This variant has not been reported in the literature in individuals affected with RPL19-related conditions. ClinVar contains an entry for this variant (Variation ID: 2177688). An algorithm developed to predict the effect of missense changes on protein structure and function (PolyPhen-2) suggests that this variant is likely to be tolerated. In summary, the available evidence is currently insufficient to determine the role of this variant in disease. Therefore, it has been classified as a Variant of Uncertain Significance.

NM_000981.4(RPL19):c.560C>T (p.Thr187Ile)

Gene: RPL19 (ribosomal protein L19; plus strand). Cytogenetic location: 17q12.
Variant type: single nucleotide variant.
Coding change: c.560C>T on transcript NM_000981.4 (MANE Select); coding-DNA position 560, C replaced by T.
Protein change: p.Thr187Ile; replaces threonine 187 with isoleucine.
Molecular consequence: missense variant.
Genome position (GRCh38, 1-based): chr17:39,204,617, C>T. VCF-style: chr17-39204617-C-T. GRCh37 (hg19) VCF-style: chr17-37360870-C-T.
Other names: c.554C>T, p.Thr185Ile (NM_001330200.1); short protein forms T185I, T187I.
Identifiers: ClinVar variation 2177688 (VCV002177688.4), dbSNP rs770476416, ClinGen allele CA8528973.
Genomic context (GRCh38, chr17:39,204,617, plus strand): 5'-AGGAAGCACGCAAGCGCCGTGAAGAGCGCCTCCAGGCCAAGAAGGAGGAGATCATCAAGA[C>T]TTTATCCAAGGAGGAAGAGACCAAGAAATAAAACCTCCCACTTTGTCTGTACATACTGGC-3'
Protein context (NP_000972.1, residues 177-196): LQAKKEEIIK[Thr187Ile]LSKEEETKK